The following is an entry in ClinVar:

ClinVar aggregate classification (germline): Uncertain significance (1 of 4 stars; one submission).

Conditions:
Hereditary cancer-predisposing syndrome. Also called: Hereditary neoplastic syndrome; Neoplastic Syndromes, Hereditary; Tumor predisposition; Hereditary Cancer Syndrome. Identifiers: Orphanet 140162, MedGen C0027672, MeSH D009386, MONDO:0015356.

Submission:

Ambry Genetics
Classification: Uncertain significance for Hereditary cancer-predisposing syndrome. Last evaluated: 2020-01-07. Review status: criteria provided, single submitter. Criteria: Ambry Variant Classification Scheme 2023. Collection method: clinical testing. Allele origin: germline.
Comment: The p.A2415P variant (also known as c.7243G>C), located in coding exon 48 of the ATM gene, results from a G to C substitution at nucleotide position 7243. The alanine at codon 2415 is replaced by proline, an amino acid with highly similar properties. This amino acid position is well conserved in available vertebrate species. In addition, this alteration is predicted to be deleterious by in silico analysis. Since supporting evidence is limited at this time, the clinical significance of this alteration remains unclear.

NM_000051.4(ATM):c.7243G>C (p.Ala2415Pro)

Genes: ATM (ATM serine/threonine kinase; plus strand), C11orf65 (chromosome 11 open reading frame 65; minus strand). Cytogenetic location: 11q22.3.
Variant type: single nucleotide variant.
Coding change: c.7243G>C on transcript NM_000051.4 (MANE Select); coding-DNA position 7243, G replaced by C.
Protein change: p.Ala2415Pro; replaces alanine 2415 with proline.
Molecular consequence: missense variant. On other transcripts: intron variant (2).
Genome position (GRCh38, 1-based): chr11:108,329,174, G>C. VCF-style: chr11-108329174-G-C. GRCh37 (hg19) VCF-style: chr11-108199901-G-C.
Other names: c.7243G>C, p.Ala2415Pro (NM_001351834.2); c.641-20103C>G (NM_001330368.2); c.*38+6046C>G (NM_001351110.2); short protein forms A2415P.
Identifiers: ClinVar variation 1757879 (VCV001757879.2), dbSNP rs2136420031, ClinGen allele CA382559709.